The following is an entry in ClinVar:

NM_198129.4(LAMA3):c.8145T>A (p.Tyr2715Ter)

Gene: LAMA3 (laminin subunit alpha 3; plus strand). Cytogenetic location: 18q11.2.
Variant type: single nucleotide variant.
Coding change: c.8145T>A on transcript NM_198129.4 (MANE Select); coding-DNA position 8145, T replaced by A.
Protein change: p.Tyr2715Ter; replaces tyrosine 2715 with a stop codon.
Molecular consequence: nonsense.
Genome position (GRCh38, 1-based): chr18:23,921,553, T>A. VCF-style: chr18-23921553-T-A. GRCh37 (hg19) VCF-style: chr18-21501517-T-A.
Other names: c.3318T>A, p.Tyr1106Ter (NM_000227.6); c.7977T>A, p.Tyr2659Ter (NM_001127717.4); c.3150T>A, p.Tyr1050Ter (NM_001127718.4); short protein forms Y1050*, Y1106*, Y2659*, Y2715*.
Identifiers: ClinVar variation 1070832 (VCV001070832.7), dbSNP rs2145314200, ClinGen allele CA402061635.

ClinVar aggregate classification (germline): Pathogenic (1 of 4 stars; one submission).

Submission:

Labcorp Genetics (formerly Invitae), Labcorp
Classification: Pathogenic. Last evaluated: 2020-10-03. Review status: criteria provided, single submitter. Criteria: Invitae Variant Classification Sherloc (09022015). Collection method: clinical testing. Allele origin: germline.
Comment: This sequence change creates a premature translational stop signal (p.Tyr1106*) in the LAMA3 gene. It is expected to result in an absent or disrupted protein product. For these reasons, this variant has been classified as Pathogenic. Loss-of-function variants in LAMA3 are known to be pathogenic (PMID: 10366601, 11810295, 12915477, 16473856, 17362460, 23869449, 28087116). This variant has not been reported in the literature in individuals with LAMA3-related conditions. This variant is not present in population databases (ExAC no frequency).

Literature cited by the submitters: PubMed 10366601; PubMed 11810295; PubMed 12915477; PubMed 16473856; PubMed 17362460; PubMed 23869449; PubMed 28087116.